The following is an entry in ClinVar:

ClinVar aggregate classification (germline): Uncertain significance. Review status: criteria provided, multiple submitters, no conflicts (2 of 4 stars). 4 submissions from 4 submitters: Uncertain significance (2). 2 of the submissions do not count toward it. Last evaluated 2022-08-10.

Conditions:
Cohen syndrome (COH1). Also called: Cutis verticis gyrata, retinitis pigmentosa, and sensorineural deafness; PEPPER SYNDROME. Identifiers: Orphanet 193, MedGen C0265223, MONDO:0008999, OMIM 216550.

Allele frequency attached by ClinVar (database versions not stated): gnomAD exomes 0.00001 and 0.00002; gnomAD 0.00003; TOPMed 0.00003.
gnomAD v4.1: 33 of 1,613,158 alleles (0.002%); highest among the groups gnomAD compares: African/African-American, 0.004%; no homozygotes.

Submissions (4):

Labcorp Genetics (formerly Invitae), Labcorp
Classification: Uncertain significance for Cohen syndrome. Last evaluated: 2022-08-10. Review status: criteria provided, single submitter. Criteria: Invitae Variant Classification Sherloc (09022015). Collection method: clinical testing. Allele origin: germline.
Comment: This sequence change falls in intron 61 of the VPS13B gene. It does not directly change the encoded amino acid sequence of the VPS13B protein. It affects a nucleotide within the consensus splice site. This variant is present in population databases (rs398124328, gnomAD 0.002%). This variant has not been reported in the literature in individuals affected with VPS13B-related conditions. ClinVar contains an entry for this variant (Variation ID: 95829). Variants that disrupt the consensus splice site are a relatively common cause of aberrant splicing (PMID: 17576681, 9536098). Algorithms developed to predict the effect of sequence changes on RNA splicing suggest that this variant may disrupt the consensus splice site. In summary, the available evidence is currently insufficient to determine the role of this variant in disease. Therefore, it has been classified as a Variant of Uncertain Significance.

Eurofins Ntd Llc (ga)
Classification: Uncertain significance. Last evaluated: 2013-07-01. Review status: criteria provided, single submitter. Criteria: EGL Classification Definitions 2015. Collection method: clinical testing. Allele origin: germline. Observed: 1 variant allele, 1 heterozygote.

Natera, Inc.
Classification: Uncertain significance for Cohen syndrome. Last evaluated: 2020-08-14. Review status: no assertion criteria provided. Collection method: clinical testing. Allele origin: germline. Not counted in ClinVar's aggregate classification.

Counsyl
Classification: Uncertain significance for Cohen syndrome. Last evaluated: 2017-06-14. Review status: no assertion criteria provided. Collection method: clinical testing. Allele origin: unknown. Not counted in ClinVar's aggregate classification.

Literature cited by the submitters: PubMed 17576681 (cited by Labcorp Genetics (formerly Invitae), Labcorp); PubMed 9536098 (cited by Labcorp Genetics (formerly Invitae), Labcorp).

NM_152564.5(VPS13B):c.11745+5G>A

Gene: VPS13B (vacuolar protein sorting 13 homolog B; plus strand). Cytogenetic location: 8q22.2.
Variant type: single nucleotide variant.
Coding change: c.11745+5G>A on transcript NM_152564.5 (MANE Select); 5 bases into the intron after coding-DNA position 11745, G replaced by A.
Molecular consequence: intron variant.
Genome position (GRCh38, 1-based): chr8:99,871,702, G>A. VCF-style: chr8-99871702-G-A. GRCh37 (hg19) VCF-style: chr8-100883930-G-A.
Other names: c.11820+5G>A (NM_017890.5).
Identifiers: ClinVar variation 95829 (VCV000095829.9), dbSNP rs398124328, ClinGen allele CA223353.
Genomic context (GRCh38, chr8:99,871,702, plus strand): 5'-AGAACAACTTACTCACAGTGCAGCTCAAGCAGCCAAGAGTGGCCTGTGATGTGGAGGTAC[G>A]TTTCAGAAAACAGGGCAACCAAGACTAGCTGGCCAGGGAGGTTGAGGAGCAGGCTGGTCA-3'